The following is an entry in ClinVar:

ClinVar aggregate classification (germline): Uncertain significance (1 of 4 stars; one submission).

Submission:

Labcorp Genetics (formerly Invitae), Labcorp
Classification: Uncertain significance. Last evaluated: 2023-08-10. Review status: criteria provided, single submitter. Criteria: Invitae Variant Classification Sherloc (09022015). Collection method: clinical testing. Allele origin: germline.
Comment: In summary, the available evidence is currently insufficient to determine the role of this variant in disease. Therefore, it has been classified as a Variant of Uncertain Significance. Algorithms developed to predict the effect of sequence changes on RNA splicing suggest that this variant may disrupt the consensus splice site. Experimental studies and prediction algorithms are not available or were not evaluated, and the functional significance of this variant is currently unknown. ClinVar contains an entry for this variant (Variation ID: 1715546). This variant has not been reported in the literature in individuals affected with CYFIP2-related conditions. This variant is not present in population databases (gnomAD no frequency). This sequence change replaces aspartic acid, which is acidic and polar, with glycine, which is neutral and non-polar, at codon 537 of the CYFIP2 protein (p.Asp537Gly).

NM_001037333.3(CYFIP2):c.1610A>G (p.Asp537Gly)

Gene: CYFIP2 (cytoplasmic FMR1 interacting protein 2; plus strand). Cytogenetic location: 5q33.3.
Variant type: single nucleotide variant.
Coding change: c.1610A>G on transcript NM_001037333.3 (MANE Select); coding-DNA position 1610, A replaced by G.
Protein change: p.Asp537Gly; replaces aspartic acid 537 with glycine.
Molecular consequence: missense variant.
Genome position (GRCh38, 1-based): chr5:157,320,741, A>G. VCF-style: chr5-157320741-A-G. GRCh37 (hg19) VCF-style: chr5-156747749-A-G.
Other names: c.1532A>G, p.Asp511Gly (NM_001291721.2); c.1610A>G, p.Asp537Gly (NM_001291722.2, NM_014376.4); short protein forms D511G, D537G.
Identifiers: ClinVar variation 1715546 (VCV001715546.5), dbSNP rs2532396611, ClinGen allele CA361969359.